The following is an entry in ClinVar:

NM_002691.4(POLD1):c.801G>T (p.Glu267Asp)

Gene: POLD1 (DNA polymerase delta 1, catalytic subunit; plus strand). Cytogenetic location: 19q13.33.
Variant type: single nucleotide variant.
Coding change: c.801G>T on transcript NM_002691.4 (MANE Select); coding-DNA position 801, G replaced by T.
Protein change: p.Glu267Asp; replaces glutamic acid 267 with aspartic acid.
Molecular consequence: missense variant. On other transcripts: non-coding transcript variant (1).
Genome position (GRCh38, 1-based): chr19:50,402,496, G>T. VCF-style: chr19-50402496-G-T. GRCh37 (hg19) VCF-style: chr19-50905753-G-T.
Other names: c.801G>T, p.Glu267Asp (NM_001256849.1, NM_001308632.1); c.801G>T (NM_002691.2); short protein forms E267D.
Identifiers: ClinVar variation 408034 (VCV000408034.9), dbSNP rs965047439, ClinGen allele CA16616119.

ClinVar aggregate classification (germline): Uncertain significance. Review status: criteria provided, multiple submitters, no conflicts (2 of 4 stars). 2 submissions from 2 submitters: Uncertain significance (2). Last evaluated 2025-09-04.

Conditions:
Hereditary cancer-predisposing syndrome. Also called: Neoplastic Syndromes, Hereditary; Hereditary neoplastic syndrome; Hereditary Cancer Syndrome; Tumor predisposition. Identifiers: Orphanet 140162, MedGen C0027672, MeSH D009386, MONDO:0015356.
POLD1-related polyposis and colorectal cancer syndrome (CRCS10). Also called: Colorectal cancer, susceptibility to, 10; Colorectal cancer 10; COLORECTAL CANCER, SUSCEPTIBILITY TO, ON CHROMOSOME 19q. Identifiers: Orphanet 220460, MedGen C2675481, MONDO:0012953, OMIM 612591.

Submissions (2):

Labcorp Genetics (formerly Invitae), Labcorp
Classification: Uncertain significance for POLD1-related polyposis and colorectal cancer syndrome. Last evaluated: 2025-09-04. Review status: criteria provided, single submitter. Criteria: Invitae Variant Classification Sherloc (09022015). Collection method: clinical testing. Allele origin: germline.
Comment: This sequence change replaces glutamic acid, which is acidic and polar, with aspartic acid, which is acidic and polar, at codon 267 of the POLD1 protein (p.Glu267Asp). This variant is not present in population databases (gnomAD no frequency). This variant has not been reported in the literature in individuals affected with POLD1-related conditions. ClinVar contains an entry for this variant (Variation ID: 408034). Invitae Evidence Modeling of protein sequence and biophysical properties (such as structural, functional, and spatial information, amino acid conservation, physicochemical variation, residue mobility, and thermodynamic stability) indicates that this missense variant is not expected to disrupt POLD1 protein function with a negative predictive value of 80%. In summary, the available evidence is currently insufficient to determine the role of this variant in disease. Therefore, it has been classified as a Variant of Uncertain Significance.

Ambry Genetics
Classification: Uncertain significance for Hereditary cancer-predisposing syndrome. Last evaluated: 2024-03-23. Review status: criteria provided, single submitter. Criteria: Ambry Variant Classification Scheme 2023. Collection method: clinical testing. Allele origin: germline.
Comment: The p.E267D variant (also known as c.801G>T), located in coding exon 6 of the POLD1 gene, results from a G to T substitution at nucleotide position 801. The glutamic acid at codon 267 is replaced by aspartic acid, an amino acid with highly similar properties. This amino acid position is conserved. In addition, this alteration is predicted to be tolerated by in silico analysis. Based on the available evidence, the clinical significance of this alteration remains unclear.